The following is an entry in ClinVar:

NM_001145809.2(MYH14):c.206C>A (p.Ala69Glu)

Gene: MYH14 (myosin heavy chain 14; plus strand). Cytogenetic location: 19q13.33.
Variant type: single nucleotide variant.
Coding change: c.206C>A on transcript NM_001145809.2 (MANE Select); coding-DNA position 206, C replaced by A.
Protein change: p.Ala69Glu; replaces alanine 69 with glutamic acid.
Molecular consequence: missense variant.
Genome position (GRCh38, 1-based): chr19:50,210,571, C>A. VCF-style: chr19-50210571-C-A. GRCh37 (hg19) VCF-style: chr19-50713828-C-A.
Other names: c.206C>A, p.Ala69Glu (NM_001077186.2, NM_024729.4); short protein forms A69E.
Identifiers: ClinVar variation 2869287 (VCV002869287.3), dbSNP rs1338133983, ClinGen allele CA406946156.

ClinVar aggregate classification (germline): Uncertain significance (1 of 4 stars; one submission).

Submission:

Labcorp Genetics (formerly Invitae), Labcorp
Classification: Uncertain significance. Last evaluated: 2023-08-04. Review status: criteria provided, single submitter. Criteria: Invitae Variant Classification Sherloc (09022015). Collection method: clinical testing. Allele origin: germline.
Comment: This sequence change replaces alanine, which is neutral and non-polar, with glutamic acid, which is acidic and polar, at codon 69 of the MYH14 protein (p.Ala69Glu). This variant is not present in population databases (gnomAD no frequency). This variant has not been reported in the literature in individuals affected with MYH14-related conditions. Advanced modeling of protein sequence and biophysical properties (such as structural, functional, and spatial information, amino acid conservation, physicochemical variation, residue mobility, and thermodynamic stability) performed at Invitae indicates that this missense variant is not expected to disrupt MYH14 protein function. In summary, the available evidence is currently insufficient to determine the role of this variant in disease. Therefore, it has been classified as a Variant of Uncertain Significance.